The following is an entry in ClinVar:

ClinVar aggregate classification (germline): Pathogenic. Review status: criteria provided, multiple submitters, no conflicts (2 of 4 stars). 2 submissions from 2 submitters: Pathogenic (2). Last evaluated 2024-05-23.

Conditions:
RHO-related disorder. Also called: RHO-related condition.

Submissions (2):

Labcorp Genetics (formerly Invitae), Labcorp
Classification: Pathogenic. Last evaluated: 2024-05-23. Review status: criteria provided, single submitter. Criteria: Invitae Variant Classification Sherloc (09022015). Collection method: clinical testing. Allele origin: germline.
Comment: This sequence change replaces glycine, which is neutral and non-polar, with valine, which is neutral and non-polar, at codon 182 of the RHO protein (p.Gly182Val). This variant is not present in population databases (gnomAD no frequency). This missense change has been observed in individuals with autosomal dominant retinitis pigmentosa (PMID: 25221422, 25366773, 29847639; Invitae). ClinVar contains an entry for this variant (Variation ID: 1071997). Advanced modeling of protein sequence and biophysical properties (such as structural, functional, and spatial information, amino acid conservation, physicochemical variation, residue mobility, and thermodynamic stability) performed at Invitae indicates that this missense variant is expected to disrupt RHO protein function with a positive predictive value of 80%. This variant disrupts the p.Gly182 amino acid residue in RHO. Other variant(s) that disrupt this residue have been observed in individuals with RHO-related conditions (PMID: 1897520), which suggests that this may be a clinically significant amino acid residue. For these reasons, this variant has been classified as Pathogenic.

Blueprint Genetics
Classification: Pathogenic for RHO-related disorders. Last evaluated: 2022-12-22. Review status: criteria provided, single submitter. Criteria: ACMG Guidelines, 2015. Collection method: clinical testing. Allele origin: germline. Affected: yes. Observed: 5 variant alleles.

Literature cited by the submitters: PubMed 25221422 (cited by Labcorp Genetics (formerly Invitae), Labcorp); PubMed 25366773 (cited by Labcorp Genetics (formerly Invitae), Labcorp); PubMed 29847639 (cited by Labcorp Genetics (formerly Invitae), Labcorp); PubMed 1897520 (cited by Labcorp Genetics (formerly Invitae), Labcorp).

NM_000539.3(RHO):c.545G>T (p.Gly182Val)

Gene: RHO (rhodopsin; plus strand). Cytogenetic location: 3q22.1.
Variant type: single nucleotide variant.
Coding change: c.545G>T on transcript NM_000539.3 (MANE Select); coding-DNA position 545, G replaced by T.
Protein change: p.Gly182Val; replaces glycine 182 with valine.
Molecular consequence: missense variant.
Genome position (GRCh38, 1-based): chr3:129,532,265, G>T. VCF-style: chr3-129532265-G-T. GRCh37 (hg19) VCF-style: chr3-129251108-G-T.
Other names: short protein forms G182V.
Identifiers: ClinVar variation 1071997 (VCV001071997.10), dbSNP rs2084785574, ClinGen allele CA354499148.